The following is an entry in ClinVar:

ClinVar aggregate classification (germline): Likely benign. Review status: criteria provided, multiple submitters, no conflicts (2 of 4 stars). 3 submissions from 3 submitters: Likely benign (3). Last evaluated 2025-10-26.

Conditions:
Inborn genetic diseases. Identifiers: MedGen C0950123, MeSH D030342.
Developmental and epileptic encephalopathy, 25 (DEE25). Also called: Epileptic encephalopathy, early infantile, 25; Developmental and epileptic encephalopathy 25, with amelogenesis imperfecta; Epileptic encephalopathy, early infantile, 25, with amelogenesis imperfecta. Identifiers: Orphanet 442835, MedGen C4014621, MONDO:0014392, OMIM 615905.

Allele frequency attached by ClinVar (database versions not stated): gnomAD exomes 0.00001 and 0.00004; TOPMed 0.00002; ExAC 0.00005.
gnomAD v4.1: 18 of 1,613,898 alleles (0.0011%); highest among the groups gnomAD compares: East Asian, 0.022%; no homozygotes.

Submissions (3):

Labcorp Genetics (formerly Invitae), Labcorp
Classification: Likely benign for Developmental and epileptic encephalopathy, 25. Last evaluated: 2025-10-26. Review status: criteria provided, single submitter. Criteria: Invitae Variant Classification Sherloc (09022015). Collection method: clinical testing. Allele origin: germline.

GeneDx
Classification: Likely benign. Last evaluated: 2016-10-19. Review status: criteria provided, single submitter. Criteria: GeneDx Variant Classification (06012015). Collection method: clinical testing. Allele origin: germline. Affected: yes.
Comment: This variant is considered likely benign or benign based on one or more of the following criteria: it is a conservative change, it occurs at a poorly conserved position in the protein, it is predicted to be benign by multiple in silico algorithms, and/or has population frequency not consistent with disease.

Ambry Genetics
Classification: Likely benign for Inborn genetic diseases. Last evaluated: 2016-03-31. Review status: criteria provided, single submitter. Criteria: Ambry Variant Classification Scheme 2023. Collection method: clinical testing. Allele origin: germline.

NM_177550.5(SLC13A5):c.18C>T (p.Ser6=)

Gene: SLC13A5 (solute carrier family 13 member 5; minus strand). Cytogenetic location: 17p13.1.
Variant type: single nucleotide variant.
Coding change: c.18C>T on transcript NM_177550.5 (MANE Select); coding-DNA position 18, C replaced by T.
Protein change: p.Ser6=; no amino-acid change (serine 6 retained).
Molecular consequence: synonymous variant.
Genome position (GRCh38, 1-based): chr17:6,713,316, G>A on the plus strand (C>T on the coding strand, the complement: SLC13A5 is on the minus strand). VCF-style: chr17-6713316-G-A. GRCh37 (hg19) VCF-style: chr17-6616635-G-A.
Other names: c.18C>T, p.Ser6= (NM_001143838.3, NM_001284509.2, NM_001284510.2).
Identifiers: ClinVar variation 390037 (VCV000390037.14), dbSNP rs775174636, ClinGen allele CA8331899.
Genomic context (GRCh38, chr17:6,713,316, plus strand): 5'-TGGCAGCAGCAGGAGCGGGGTGACGAACAAGATCACGAAGGACTTGAACTTGGAGACATA[G>A]CTCAGCGCCGAGGCCATCGCGCGGGAGGGAGACTGGCGGGCGAGACGAGTGAGGGGCAGC-3'
Protein context (NP_808218.1, residues 1-16): MASAL[Ser6=]YVSKFKSFVI